The following is an entry in ClinVar:

NM_000081.4(LYST):c.2363+17G>A

Gene: LYST (lysosomal trafficking regulator; minus strand). Cytogenetic location: 1q42.3.
Variant type: single nucleotide variant.
Coding change: c.2363+17G>A on transcript NM_000081.4 (MANE Select); 17 bases into the intron after coding-DNA position 2363, G replaced by A.
Molecular consequence: intron variant.
Genome position (GRCh38, 1-based): chr1:235,808,438, C>T on the plus strand (G>A on the coding strand, the complement: LYST is on the minus strand). VCF-style: chr1-235808438-C-T. GRCh37 (hg19) VCF-style: chr1-235971738-C-T.
Other names: c.2363+17G>A (NM_000081.3, NM_001301365.1).
Identifiers: ClinVar variation 1169179 (VCV001169179.11), dbSNP rs374401277, ClinGen allele CA1467316.

ClinVar aggregate classification (germline): Benign/Likely benign. Review status: criteria provided, multiple submitters, no conflicts (2 of 4 stars). 3 submissions from 3 submitters: Benign (1); Likely benign (2). Last evaluated 2026-02-20.

Conditions:
LYST-related disorder. Also called: LYST-related condition.
Chédiak-Higashi syndrome (CHS). Also called: Chediak-Higashi Syndrome. Identifiers: Orphanet 167, MedGen C0007965, MONDO:0008963, OMIM 214500.

Allele frequency attached by ClinVar (database versions not stated): ESP Exome Variant Server 0.00015; ExAC 0.00026; TOPMed 0.00028; gnomAD 0.00035; 1000 Genomes Project 30x 0.00203; 1000 Genomes Project 0.00240.

Submissions (3):

PreventionGenetics, part of Exact Sciences
Classification: Likely benign for LYST-related condition. Last evaluated: 2026-02-20. Review status: criteria provided, single submitter. Criteria: ACMG Guidelines, 2015. Collection method: clinical testing. Allele origin: germline.
Comment: This variant is classified as likely benign based on ACMG/AMP sequence variant interpretation guidelines (Richards et al. 2015 PMID: 25741868, with internal and published modifications).

Labcorp Genetics (formerly Invitae), Labcorp
Classification: Benign for Chédiak-Higashi syndrome. Last evaluated: 2026-01-20. Review status: criteria provided, single submitter. Criteria: Invitae Variant Classification Sherloc (09022015). Collection method: clinical testing. Allele origin: germline.

Blueprint Genetics
Classification: Likely benign. Last evaluated: 2023-10-12. Review status: criteria provided, single submitter. Criteria: ACMG Guidelines, 2015. Collection method: clinical testing. Allele origin: germline.